The following is an entry in ClinVar:

NM_198252.3(GSN):c.127G>A (p.Ala43Thr)

Gene: GSN (gelsolin; plus strand). Cytogenetic location: 9q33.2.
Variant type: single nucleotide variant.
Coding change: c.127G>A on transcript NM_198252.3 (MANE Select); coding-DNA position 127, G replaced by A.
Protein change: p.Ala43Thr; replaces alanine 43 with threonine.
Molecular consequence: missense variant. On other transcripts: intron variant (1).
Genome position (GRCh38, 1-based): chr9:121,302,098, G>A. VCF-style: chr9-121302098-G-A. GRCh37 (hg19) VCF-style: chr9-124064376-G-A.
Other names: c.280G>A, p.Ala94Thr (NM_000177.5); c.127G>A, p.Ala43Thr (NM_001127662.2, NM_001127664.2, NM_001127665.2 and 10 more transcripts); c.235G>A, p.Ala79Thr (NM_001127663.2); c.160G>A, p.Ala54Thr (NM_001127666.2, NM_001127667.2, NM_001353063.2 and 13 more transcripts); c.178G>A, p.Ala60Thr (NM_001258029.2); c.151G>A, p.Ala51Thr (NM_001258030.2); c.199G>A, p.Ala67Thr (NM_001353076.2); c.-458-813G>A (NM_001353078.2); short protein forms A51T, A67T, A94T, A43T, A60T, A54T, A79T.
Identifiers: ClinVar variation 1943004 (VCV001943004.5), dbSNP rs148748121, ClinGen allele CA374732125.

ClinVar aggregate classification (germline): Uncertain significance (1 of 4 stars; one submission).

Submission:

Labcorp Genetics (formerly Invitae), Labcorp
Classification: Uncertain significance. Last evaluated: 2024-01-24. Review status: criteria provided, single submitter. Criteria: Invitae Variant Classification Sherloc (09022015). Collection method: clinical testing. Allele origin: germline.
Comment: This sequence change replaces alanine, which is neutral and non-polar, with threonine, which is neutral and polar, at codon 94 of the GSN protein (p.Ala94Thr). This variant is present in population databases (no rsID available, gnomAD 0.002%). This variant has not been reported in the literature in individuals affected with GSN-related conditions. ClinVar contains an entry for this variant (Variation ID: 1943004). An algorithm developed to predict the effect of missense changes on protein structure and function (PolyPhen-2) suggests that this variant is likely to be tolerated. In summary, the available evidence is currently insufficient to determine the role of this variant in disease. Therefore, it has been classified as a Variant of Uncertain Significance.